The following is an entry in ClinVar:

ClinVar aggregate classification (germline): Uncertain significance (1 of 4 stars; one submission).

Allele frequency attached by ClinVar (database versions not stated): gnomAD 0.00001.
gnomAD v4.1: 6 of 1,193,200 alleles (0.0005%); highest among the groups gnomAD compares: South Asian, 0.011%; no homozygotes.

Submission:

Labcorp Genetics (formerly Invitae), Labcorp
Classification: Uncertain significance. Last evaluated: 2023-04-10. Review status: criteria provided, single submitter. Criteria: Invitae Variant Classification Sherloc (09022015). Collection method: clinical testing. Allele origin: germline.
Comment: In summary, the available evidence is currently insufficient to determine the role of this variant in disease. Therefore, it has been classified as a Variant of Uncertain Significance. Advanced modeling of protein sequence and biophysical properties (such as structural, functional, and spatial information, amino acid conservation, physicochemical variation, residue mobility, and thermodynamic stability) performed at Invitae indicates that this missense variant is not expected to disrupt POLA1 protein function. This variant has not been reported in the literature in individuals affected with POLA1-related conditions. This variant is present in population databases (no rsID available, gnomAD 0.005%), including at least one homozygous and/or hemizygous individual. This sequence change replaces isoleucine, which is neutral and non-polar, with leucine, which is neutral and non-polar, at codon 755 of the POLA1 protein (p.Ile755Leu).

NM_001330360.2(POLA1):c.2281A>C (p.Ile761Leu)

Gene: POLA1 (DNA polymerase alpha 1, catalytic subunit; plus strand). Cytogenetic location: Xp22.11.
Variant type: single nucleotide variant.
Coding change: c.2281A>C on transcript NM_001330360.2 (MANE Select); coding-DNA position 2281, A replaced by C.
Protein change: p.Ile761Leu; replaces isoleucine 761 with leucine.
Molecular consequence: missense variant. On other transcripts: non-coding transcript variant (2).
Genome position (GRCh38, 1-based): chrX:24,741,439, A>C. VCF-style: chrX-24741439-A-C. GRCh37 (hg19) VCF-style: chrX-24759556-A-C.
Other names: c.2206A>C, p.Ile736Leu (NM_001378303.1); c.2263A>C, p.Ile755Leu (NM_016937.4); short protein forms I755L, I761L, I736L.
Identifiers: ClinVar variation 2984249 (VCV002984249.3), dbSNP rs1306350284, ClinGen allele CA412536137.